The following is an entry in ClinVar:

NM_001205293.3(CACNA1E):c.2241-1G>A

Gene: CACNA1E (calcium voltage-gated channel subunit alpha1 E; plus strand). Cytogenetic location: 1q25.3.
Variant type: single nucleotide variant.
Coding change: c.2241-1G>A on transcript NM_001205293.3 (MANE Select); the canonical splice acceptor site of the intron before coding-DNA position 2241, G replaced by A.
Molecular consequence: splice acceptor variant. On other transcripts: intron variant (1).
Genome position (GRCh38, 1-based): chr1:181,731,174, G>A. VCF-style: chr1-181731174-G-A. GRCh37 (hg19) VCF-style: chr1-181700310-G-A.
Other names: c.2241-1G>A (NM_000721.4); c.2241-1210G>A (NM_001205294.2).
Identifiers: ClinVar variation 4720068 (VCV004720068.1).

ClinVar aggregate classification (germline): Uncertain significance (1 of 4 stars; one submission).

gnomAD v4.1: 1 of 1,613,410 alleles (0.000062%); highest among the groups gnomAD compares: Non-Finnish European, 0.000085%; no homozygotes.

Submission:

Labcorp Genetics (formerly Invitae), Labcorp
Classification: Uncertain significance. Last evaluated: 2025-07-08. Review status: criteria provided, single submitter. Criteria: Invitae Variant Classification Sherloc (09022015). Collection method: clinical testing. Allele origin: germline.
Comment: This sequence change affects an acceptor splice site in intron 18 of the CACNA1E gene. It is expected to disrupt RNA splicing. Variants that disrupt the donor or acceptor splice site typically lead to a loss of protein function (PMID: 16199547), however the current clinical and genetic evidence is not sufficient to establish whether loss-of-function variants in CACNA1E cause disease. This variant is not present in population databases (gnomAD no frequency). This variant has not been reported in the literature in individuals affected with CACNA1E-related conditions. Algorithms developed to predict the effect of sequence changes on RNA splicing suggest that this variant may disrupt the consensus splice site. In summary, the available evidence is currently insufficient to determine the role of this variant in disease. Therefore, it has been classified as a Variant of Uncertain Significance.

Literature cited by the submitters: PubMed 16199547.